The following is an entry in ClinVar:

ClinVar aggregate classification (germline): Uncertain significance (1 of 4 stars; one submission).

Conditions:
Sclerosteosis 2 (SOST2). Identifiers: Orphanet 3152, MedGen C3280402, MONDO:0013679, OMIM 614305.
Congenital myasthenic syndrome 17. Identifiers: Orphanet 590, MedGen C4225377, MONDO:0014578, OMIM 616304.
Cenani-Lenz syndactyly syndrome. Also called: CENANI SYNDACTYLISM; SYNDACTYLY, TYPE VII. Identifiers: Orphanet 3258, MedGen C1859309, MONDO:0008931, OMIM 212780.

gnomAD v4.1: 1 of 1,613,982 alleles (0.000062%); no homozygotes.

Submission:

Labcorp Genetics (formerly Invitae), Labcorp
Classification: Uncertain significance for Cenani-Lenz syndactyly syndrome; Sclerosteosis 2; Congenital myasthenic syndrome 17. Last evaluated: 2022-12-02. Review status: criteria provided, single submitter. Criteria: Invitae Variant Classification Sherloc (09022015). Collection method: clinical testing. Allele origin: germline.
Comment: This sequence change replaces aspartic acid, which is acidic and polar, with asparagine, which is neutral and polar, at codon 1303 of the LRP4 protein (p.Asp1303Asn). In summary, the available evidence is currently insufficient to determine the role of this variant in disease. Therefore, it has been classified as a Variant of Uncertain Significance. Advanced modeling of protein sequence and biophysical properties (such as structural, functional, and spatial information, amino acid conservation, physicochemical variation, residue mobility, and thermodynamic stability) has been performed at Invitae for this missense variant, however the output from this modeling did not meet the statistical confidence thresholds required to predict the impact of this variant on LRP4 protein function. ClinVar contains an entry for this variant (Variation ID: 1363753). This variant has not been reported in the literature in individuals affected with LRP4-related conditions. This variant is not present in population databases (gnomAD no frequency).

NM_002334.4(LRP4):c.3907G>A (p.Asp1303Asn)

Gene: LRP4 (LDL receptor related protein 4; minus strand). Cytogenetic location: 11p11.2.
Variant type: single nucleotide variant.
Coding change: c.3907G>A on transcript NM_002334.4 (MANE Select); coding-DNA position 3907, G replaced by A.
Protein change: p.Asp1303Asn; replaces aspartic acid 1303 with asparagine.
Molecular consequence: missense variant.
Genome position (GRCh38, 1-based): chr11:46,875,474, C>T on the plus strand (G>A on the coding strand, the complement: LRP4 is on the minus strand). VCF-style: chr11-46875474-C-T. GRCh37 (hg19) VCF-style: chr11-46897025-C-T.
Other names: short protein forms D1303N.
Identifiers: ClinVar variation 1363753 (VCV001363753.8), dbSNP rs2134796086, ClinGen allele CA380272340.
Genomic context (GRCh38, chr11:46,875,474, plus strand): 5'-GCCAGAGGCTCTGACTCACAGCCCCAGCCCTCTGACTCTCACCTAGTGGCTGTGCCCGGT[C>T]CACAGCCTGCATGTCCATGAGGCCTGGCAGGTTGGACCTCACGAGGATGACATTGCTGCC-3'
Protein context (NP_002325.2, residues 1293-1313): LPGLMDMQAV[Asp1303Asn]RAQPLGFNKC